The following is an entry in ClinVar:

NM_022552.5(DNMT3A):c.1804C>A (p.Pro602Thr)

Gene: DNMT3A (DNA methyltransferase 3 alpha; minus strand). Cytogenetic location: 2p23.3.
Variant type: single nucleotide variant.
Coding change: c.1804C>A on transcript NM_022552.5 (MANE Select); coding-DNA position 1804, C replaced by A.
Protein change: p.Pro602Thr; replaces proline 602 with threonine.
Molecular consequence: missense variant. On other transcripts: non-coding transcript variant (1).
Genome position (GRCh38, 1-based): chr2:25,244,202, G>T on the plus strand (C>A on the coding strand, the complement: DNMT3A is on the minus strand). VCF-style: chr2-25244202-G-T. GRCh37 (hg19) VCF-style: chr2-25467071-G-T.
Other names: c.1348C>A, p.Pro450Thr (NM_001320893.1); c.1135C>A, p.Pro379Thr (NM_001375819.1); c.1237C>A, p.Pro413Thr (NM_153759.3); c.1804C>A, p.Pro602Thr (NM_175629.2); short protein forms P379T, P413T, P450T, P602T.
Identifiers: ClinVar variation 3504239 (VCV003504239.1).

ClinVar aggregate classification (germline): Uncertain significance (1 of 4 stars; one submission).

Conditions:
Inborn genetic diseases. Identifiers: MedGen C0950123, MeSH D030342.

Submission:

Ambry Genetics
Classification: Uncertain significance for Inborn genetic diseases. Last evaluated: 2024-11-26. Review status: criteria provided, single submitter. Criteria: Ambry Variant Classification Scheme 2023. Collection method: clinical testing. Allele origin: germline.
Comment: The p.P602T variant (also known as c.1804C>A), located in coding exon 14 of the DNMT3A gene, results from a C to A substitution at nucleotide position 1804. The proline at codon 602 is replaced by threonine, an amino acid with highly similar properties. This amino acid position is conserved. In addition, the in silico prediction for this alteration is inconclusive. Based on the available evidence, the clinical significance of this variant remains unclear.